The following is an entry in ClinVar:

NM_001375524.1(TRRAP):c.13G>A (p.Ala5Thr)

Gene: TRRAP (transformation/transcription domain associated protein; plus strand). Cytogenetic location: 7q22.1.
Variant type: single nucleotide variant.
Coding change: c.13G>A on transcript NM_001375524.1 (MANE Select); coding-DNA position 13, G replaced by A.
Protein change: p.Ala5Thr; replaces alanine 5 with threonine.
Molecular consequence: missense variant.
Genome position (GRCh38, 1-based): chr7:98,881,163, G>A. VCF-style: chr7-98881163-G-A. GRCh37 (hg19) VCF-style: chr7-98478786-G-A.
Other names: c.13G>A, p.Ala5Thr (NM_001244580.2, NM_003496.4); c.13G>A (NM_001244580.1); short protein forms A5T.
Identifiers: ClinVar variation 4769725 (VCV004769725.2).

ClinVar aggregate classification (germline): Conflicting classifications of pathogenicity. Review status: criteria provided, conflicting classifications (1 of 4 stars). 2 submissions from 2 submitters: Uncertain significance (1); Likely benign (1). Last evaluated 2026-07-27.

Conditions:
Inborn genetic diseases. Identifiers: MedGen C0950123, MeSH D030342.

gnomAD v4.1: 6 of 1,605,486 alleles (0.00037%); highest among the groups gnomAD compares: South Asian, 0.0067%; no homozygotes.

Submissions (2):

Ambry Genetics
Classification: Likely benign for Inborn genetic diseases. Last evaluated: 2026-07-27. Review status: criteria provided, single submitter. Criteria: Ambry Variant Classification Scheme 2023. Collection method: clinical testing. Allele origin: germline.

Labcorp Genetics (formerly Invitae), Labcorp
Classification: Uncertain significance. Last evaluated: 2025-06-24. Review status: criteria provided, single submitter. Criteria: Invitae Variant Classification Sherloc (09022015). Collection method: clinical testing. Allele origin: germline.
Comment: This sequence change replaces alanine, which is neutral and non-polar, with threonine, which is neutral and polar, at codon 5 of the TRRAP protein (p.Ala5Thr). This variant is present in population databases (rs782703507, gnomAD 0.01%). This variant has not been reported in the literature in individuals affected with TRRAP-related conditions. An algorithm developed to predict the effect of missense changes on protein structure and function (PolyPhen-2) suggests that this variant is likely to be tolerated. In summary, the available evidence is currently insufficient to determine the role of this variant in disease. Therefore, it has been classified as a Variant of Uncertain Significance.